The following is an entry in ClinVar:

ClinVar aggregate classification (germline): Conflicting classifications of pathogenicity. Review status: criteria provided, conflicting classifications (1 of 4 stars). 11 submissions from 11 submitters: Uncertain significance (4); Benign (1); Likely benign (3). 3 of the submissions do not count toward it. Last evaluated 2026-02-04.

Conditions:
CORO1A-related disorder. Also called: CORO1A-related condition.
Severe combined immunodeficiency due to CORO1A deficiency. Also called: IMMUNODEFICIENCY 8 WITH LYMPHOPROLIFERATION; Immunodeficiency 8. Identifiers: Orphanet 228003, MedGen C3809383, MONDO:0014168, OMIM 615401.

Allele frequency attached by ClinVar (database versions not stated): 1000 Genomes Project 0.00060; 1000 Genomes Project 30x 0.00062; TOPMed 0.00099; ESP Exome Variant Server 0.00100; gnomAD 0.00141 and 0.00146; gnomAD exomes 0.00175; ExAC 0.00210.
gnomAD v4.1: 2,683 of 1,613,226 alleles (0.17%); highest among the groups gnomAD compares: Non-Finnish European, 0.18%; 7 homozygotes.

Submissions (11):

Labcorp Genetics (formerly Invitae), Labcorp
Classification: Benign for Severe combined immunodeficiency due to CORO1A deficiency. Last evaluated: 2026-02-04. Review status: criteria provided, single submitter. Criteria: Invitae Variant Classification Sherloc (09022015). Collection method: clinical testing. Allele origin: germline.

CeGaT Center for Human Genetics Tuebingen
Classification: Likely benign. Last evaluated: 2026-02-01. Review status: criteria provided, single submitter. Criteria: CeGaT Center For Human Genetics Tuebingen Variant Classification Criteria Version 2. Collection method: clinical testing. Allele origin: germline. Affected: yes. Observed: 3 variant alleles.
Comment: CORO1A: BS2

Blueprint Genetics
Classification: Likely benign. Last evaluated: 2024-11-12. Review status: criteria provided, single submitter. Criteria: ACMG Guidelines, 2015. Collection method: clinical testing. Allele origin: germline.

GeneDx
Classification: Uncertain significance. Last evaluated: 2024-08-13. Review status: criteria provided, single submitter. Criteria: GeneDx Variant Classification Process June 2021. Collection method: clinical testing. Allele origin: germline. Affected: yes.
Comment: In silico analysis indicates that this missense variant does not alter protein structure/function; Has not been previously published as pathogenic or benign to our knowledge

Women's Health and Genetics/Laboratory Corporation of America, LabCorp
Classification: Likely benign. Last evaluated: 2023-08-01. Review status: criteria provided, single submitter. Criteria: LabCorp Variant Classification Summary - May 2015. Collection method: clinical testing. Allele origin: germline.
Comment: Variant summary: CORO1A c.1189G>A (p.Val397Ile) results in a conservative amino acid change in the encoded protein sequence. Five of five in-silico tools predict a benign effect of the variant on protein function. The variant allele was found at a frequency of 0.0018 in 279870 control chromosomes in the gnomAD database, including 1 homozygote. The observed variant frequency is approximately 5.0026 fold of the estimated maximal expected allele frequency for a pathogenic variant in CORO1A causing Severe Combined Immunodeficiency phenotype (0.00035), strongly suggesting that the variant is benign. To our knowledge, no occurrence of c.1189G>A in individuals affected with Severe Combined Immunodeficiency and no experimental evidence demonstrating its impact on protein function have been reported. Five submitters have cited clinical-significance assessments for this variant to ClinVar after 2014; four submitters classfied the variant as a variant of uncertain significance, while one classified it as benign. Based on the evidence outlined above, the variant was classified as likely benign.

Revvity Omics, Revvity
Classification: Uncertain significance for Severe combined immunodeficiency due to CORO1A deficiency. Last evaluated: 2022-09-21. Review status: criteria provided, single submitter. Criteria: ACMG Guidelines, 2015. Collection method: clinical testing. Allele origin: germline.

Center for Genomics, Ann and Robert H. Lurie Children's Hospital of Chicago
Classification: Uncertain significance for Severe combined immunodeficiency due to CORO1A deficiency. Last evaluated: 2022-07-15. Review status: criteria provided, single submitter. Criteria: ACMG Guidelines, 2015. Collection method: clinical testing. Allele origin: germline.
Comment: This variant has not been reported in the literature but is present in the Genome Aggregation Database (Highest reported MAF 0.4% (50/10596) including 2 homozygotes. This variant is present in ClinVar (Variation ID:424440). This variant amino acid Isoleucine (Ile) is present in multiple species; this suggests that this variant may not impact the protein. Additional computational prediction tools do not suggest an impact. In summary, data on this variant is insufficient for disease classification. Therefore, the clinical significance of this variant is uncertain.

Baylor Genetics
Classification: Uncertain significance for Severe combined immunodeficiency due to CORO1A deficiency. Last evaluated: 2018-12-14. Review status: criteria provided, single submitter. Criteria: ACMG Guidelines, 2015. Collection method: clinical testing. Allele origin: maternal. Affected: yes.
Comment: This variant was determined to be of uncertain significance according to ACMG Guidelines, 2015 [PMID:25741868].

PreventionGenetics, part of Exact Sciences
Classification: Likely benign for CORO1A-related condition. Last evaluated: 2020-06-08. Review status: no assertion criteria provided. Collection method: clinical testing. Allele origin: germline. Not counted in ClinVar's aggregate classification.
Comment: This variant is classified as likely benign based on ACMG/AMP sequence variant interpretation guidelines (Richards et al. 2015 PMID: 25741868, with internal and published modifications).

Clinical Genetics DNA and cytogenetics Diagnostics Lab, Erasmus MC, Erasmus Medical Center
Classification: Likely benign. Review status: no assertion criteria provided. Collection method: clinical testing. Allele origin: germline. Affected: yes. Study: VKGL Data-share Consensus. Not counted in ClinVar's aggregate classification.

Genome Diagnostics Laboratory, University Medical Center Utrecht
Classification: Likely benign. Review status: no assertion criteria provided. Collection method: clinical testing. Allele origin: germline. Affected: yes. Study: VKGL Data-share Consensus. Not counted in ClinVar's aggregate classification.

NM_007074.4(CORO1A):c.1189G>A (p.Val397Ile)

Gene: CORO1A (coronin 1A; plus strand). Cytogenetic location: 16p11.2.
Variant type: single nucleotide variant.
Coding change: c.1189G>A on transcript NM_007074.4 (MANE Select); coding-DNA position 1189, G replaced by A.
Protein change: p.Val397Ile; replaces valine 397 with isoleucine.
Molecular consequence: missense variant.
Genome position (GRCh38, 1-based): chr16:30,188,484, G>A. VCF-style: chr16-30188484-G-A. GRCh37 (hg19) VCF-style: chr16-30199805-G-A.
Other names: c.1189G>A, p.Val397Ile (NM_001193333.3); short protein forms V397I.
Identifiers: ClinVar variation 424440 (VCV000424440.48), dbSNP rs35967690, ClinGen allele CA8003417.